The following is an entry in ClinVar:

NM_004329.3(BMPR1A):c.676G>T (p.Val226Phe)

Gene: BMPR1A (bone morphogenetic protein receptor type 1A; plus strand). Cytogenetic location: 10q23.2.
Variant type: single nucleotide variant.
Coding change: c.676G>T on transcript NM_004329.3 (MANE Select); coding-DNA position 676, G replaced by T.
Protein change: p.Val226Phe; replaces valine 226 with phenylalanine.
Molecular consequence: missense variant.
Genome position (GRCh38, 1-based): chr10:86,917,134, G>T. VCF-style: chr10-86917134-G-T. GRCh37 (hg19) VCF-style: chr10-88676891-G-T.
Other names: p.V226F:GTT>TTT; short protein forms V226F.
Identifiers: ClinVar variation 127902 (VCV000127902.35), dbSNP rs587780110, ClinGen allele CA288009.

ClinVar aggregate classification (germline): Conflicting classifications of pathogenicity. Review status: criteria provided, conflicting classifications (1 of 4 stars). 12 submissions from 12 submitters: Uncertain significance (11); Likely benign (1). Last evaluated 2025-11-20.

Conditions:
Polyposis syndrome, hereditary mixed, 2. Identifiers: Orphanet 157794, MedGen C1864730, MONDO:0012405, OMIM 610069.
Juvenile polyposis syndrome (JPS). Identifiers: Orphanet 2929, MedGen C0345893, MONDO:0017380, OMIM 174900.
Hereditary cancer-predisposing syndrome. Also called: Hereditary neoplastic syndrome; Tumor predisposition; Neoplastic Syndromes, Hereditary; Hereditary Cancer Syndrome. Identifiers: Orphanet 140162, MedGen C0027672, MeSH D009386, MONDO:0015356.
Generalized juvenile polyposis/juvenile polyposis coli. Also called: Juvenile polyposis coli. Identifiers: Orphanet 329971, MedGen C1868081, MONDO:0008276.

Allele frequency attached by ClinVar (database versions not stated): ExAC 0.00001; gnomAD 0.00001; gnomAD exomes 0.00002 and 0.00003; TOPMed 0.00002.
gnomAD v4.1: 32 of 1,613,714 alleles (0.002%); highest among the groups gnomAD compares: South Asian, 0.0011%; no homozygotes.

Submissions (12):

Color Diagnostics, LLC DBA Color Health
Classification: Uncertain significance for Hereditary cancer-predisposing syndrome. Last evaluated: 2025-11-20. Review status: criteria provided, single submitter. Criteria: ACMG Guidelines, 2015. Collection method: clinical testing. Allele origin: germline.
Comment: This missense variant replaces valine with phenylalanine at codon 226 of the BMPR1A protein. Computational prediction suggests that this variant may have deleterious impact on protein structure and function. To our knowledge, functional studies have not been reported for this variant. This variant has been reported in individuals affected with colorectal cancer (PMID: 29596542) and in an individual with polyposis (PMID: 36049049). This variant has been identified in 32/1613714 chromosomes in the general population by the Genome Aggregation Database (gnomAD). The available evidence is insufficient to determine the role of this variant in disease conclusively. Therefore, this variant is classified as a Variant of Uncertain Significance.

Quest Diagnostics Nichols Institute San Juan Capistrano
Classification: Uncertain significance. Last evaluated: 2025-08-15. Review status: criteria provided, single submitter. Criteria: Quest Diagnostics criteria. Collection method: clinical testing. Allele origin: unknown.
Comment: The BMPR1A c.676G>T (p.Val226Phe) variant has been reported in the published literature in individuals with colon cancer (PMID: 36049049 (2022)), one of which was also positive for an MUTYH variant (PMID: 29596542 (2018)). The frequency of this variant in the general population (Genome Aggregation Database) is higher than would generally be expected for pathogenic variants in this gene. Analysis of this variant using bioinformatics tools for the prediction of the effect of amino acid changes on protein structure and function yielded predictions that this variant is damaging. Based on the available information, we are unable to determine the clinical significance of this variant.

Labcorp Genetics (formerly Invitae), Labcorp
Classification: Uncertain significance for Juvenile polyposis syndrome. Last evaluated: 2025-01-01. Review status: criteria provided, single submitter. Criteria: Invitae Variant Classification Sherloc (09022015). Collection method: clinical testing. Allele origin: germline.
Comment: This sequence change replaces valine, which is neutral and non-polar, with phenylalanine, which is neutral and non-polar, at codon 226 of the BMPR1A protein (p.Val226Phe). This variant is present in population databases (rs587780110, gnomAD 0.06%). This missense change has been observed in individual(s) with colorectal adenomas (PMID: 29596542, 36049049). ClinVar contains an entry for this variant (Variation ID: 127902). An algorithm developed to predict the effect of missense changes on protein structure and function (PolyPhen-2) suggests that this variant is likely to be disruptive. RNA analysis performed to evaluate the impact of this missense change on mRNA splicing indicates it does not significantly alter splicing (internal data). In summary, the available evidence is currently insufficient to determine the role of this variant in disease. Therefore, it has been classified as a Variant of Uncertain Significance.

Blueprint Genetics
Classification: Uncertain significance. Last evaluated: 2024-03-19. Review status: criteria provided, single submitter. Criteria: ACMG Guidelines, 2015. Collection method: clinical testing. Allele origin: germline.

Baylor Genetics
Classification: Uncertain significance for Polyposis syndrome, hereditary mixed, 2. Last evaluated: 2024-02-19. Review status: criteria provided, single submitter. Criteria: ACMG Guidelines, 2015. Collection method: clinical testing. Allele origin: unknown.

All of Us Research Program, National Institutes of Health
Classification: Uncertain significance for Juvenile polyposis syndrome. Last evaluated: 2024-01-11. Review status: criteria provided, single submitter. Criteria: ACMG Guidelines, 2015. Collection method: clinical testing. Allele origin: germline. Inheritance: Autosomal dominant inheritance. Observed: 10 variant alleles, 10 heterozygotes.
Comment: This missense variant replaces valine with phenylalanine at codon 226 of the BMPR1A protein. Computational prediction suggests that this variant may have deleterious impact on protein structure and function (internally defined REVEL score threshold >= 0.7, PMID: 27666373). To our knowledge, functional studies have not been reported for this variant. This variant has been reported in individuals affected with colorectal cancer (PMID: 29596542) and in an individual with polyposis (PMID: 36049049). This variant has been identified in 7/251294 chromosomes in the general population by the Genome Aggregation Database (gnomAD). The available evidence is insufficient to determine the role of this variant in disease conclusively. Therefore, this variant is classified as a Variant of Uncertain Significance.

This study involves interpretation of variants in research participants for the purpose of population health screening. Participant phenotype was not available at the time of variant classification. Additional details can be found in publication PMID: 35346344, PMCID: PMC8962531

Laboratory for Molecular Medicine, Mass General Brigham Personalized Medicine
Classification: Uncertain significance. Last evaluated: 2023-01-31. Review status: criteria provided, single submitter. Criteria: ACMG Guidelines, 2015. Collection method: clinical testing. Allele origin: germline.
Comment: The p.Val226Phe variant in BMPR1A has been reported in 1 individuals with adenomatous polyposis of the whole colon (Rosner 2022 PMID: 36049049). It has also been identified in 0.06% (2/3472) of Ashkenazi Jewish chromosomes by gnomAD. Computational prediction tools and conservation analyses suggest that this variant may impact the protein, though this information is not predictive enough to determine pathogenicity. In summary, the clinical significance of this variant is uncertain. ACMG/AMP Criteria applied: PP3.

GeneDx
Classification: Uncertain significance. Last evaluated: 2022-12-15. Review status: criteria provided, single submitter. Criteria: GeneDx Variant Classification Process June 2021. Collection method: clinical testing. Allele origin: germline. Affected: yes.
Comment: Observed in an individual with a personal history of adenomatous polyposis and papilla of Vater carcinoma, as well as a family history of colorectal cancer (Rosner et al., 2022); In silico analysis suggests this variant may impact gene splicing. In the absence of RNA/functional studies, the actual effect of this sequence change is unknown; In silico analysis supports that this missense variant has a deleterious effect on protein structure/function; This variant is associated with the following publications: (PMID: 9759503, 23433720, 36049049)

Ambry Genetics
Classification: Likely benign for Hereditary cancer-predisposing syndrome. Last evaluated: 2022-10-07. Review status: criteria provided, single submitter. Criteria: Ambry Variant Classification Scheme 2023. Collection method: clinical testing. Allele origin: germline.

Department of Pathology and Laboratory Medicine, Sinai Health System
Classification: Uncertain significance for Polyposis syndrome, hereditary mixed, 2; Juvenile polyposis syndrome. Last evaluated: 2022-05-16. Review status: criteria provided, single submitter. Criteria: ACMG Guidelines, 2015. Collection method: clinical testing. Allele origin: germline. Affected: yes.

Illumina Laboratory Services, Illumina
Classification: Uncertain significance for Juvenile polyposis syndrome. Last evaluated: 2018-01-13. Review status: criteria provided, single submitter. Criteria: ICSL Variant Classification Criteria 13 December 2019. Collection method: clinical testing. Allele origin: germline.

Fulgent Genetics
Classification: Uncertain significance for Juvenile polyposis syndrome; Polyposis syndrome, hereditary mixed, 2. Last evaluated: 2017-05-23. Review status: criteria provided, single submitter. Criteria: ACMG Guidelines, 2015. Collection method: clinical testing. Allele origin: unknown.

Literature cited by the submitters: PubMed 29596542 (cited by 5 submitters); PubMed 36049049 (cited by 4 submitters); PubMed 36845387 (cited by Quest Diagnostics Nichols Institute San Juan Capistrano).